The following is an entry in ClinVar:

NM_022114.4(PRDM16):c.885-109C>T

Gene: PRDM16 (PR/SET domain 16; plus strand). Cytogenetic location: 1p36.32.
Variant type: single nucleotide variant.
Coding change: c.885-109C>T on transcript NM_022114.4 (MANE Select); 109 bases into the intron before coding-DNA position 885, C replaced by T.
Molecular consequence: intron variant.
Genome position (GRCh38, 1-based): chr1:3,404,630, C>T. VCF-style: chr1-3404630-C-T. GRCh37 (hg19) VCF-style: chr1-3321194-C-T.
Other names: c.885-109C>T (NM_199454.3).
Identifiers: ClinVar variation 676357 (VCV000676357.2), dbSNP rs2483220, ClinGen allele CA17018177.
Genomic context (GRCh38, chr1:3,404,630, plus strand): 5'-GGCCACGGCAGAGAGGAGGTGGGCAGGGAGACACCAGCATGTGCTCTGATCCCTCGGCAG[C>T]GTGGTGGGGGCTCCGAAGGGGCACTGGGAACAAGCTGTATGGTTGGGGTCCCCTCCCGGG-3'

ClinVar aggregate classification (germline): Benign. Review status: criteria provided, multiple submitters, no conflicts (2 of 4 stars). 2 submissions from 2 submitters: Benign (2). Last evaluated 2018-06-16.

Allele frequency attached by ClinVar (database versions not stated): gnomAD 0.02627 and 0.02839; 1000 Genomes Project 0.02716; 1000 Genomes Project 30x 0.02889; TOPMed 0.02944.
gnomAD v4.1: 7,546 of 1,335,074 alleles (0.57%); highest among the groups gnomAD compares: African/African-American, 9.1%; 303 homozygotes.

Submissions (2):

GeneDx
Classification: Benign. Last evaluated: 2018-06-16. Review status: criteria provided, single submitter. Criteria: GeneDx Variant Classification (06012015). Collection method: clinical testing. Allele origin: germline. Affected: yes.
Comment: This variant is considered likely benign or benign based on one or more of the following criteria: it is a conservative change, it occurs at a poorly conserved position in the protein, it is predicted to be benign by multiple in silico algorithms, and/or has population frequency not consistent with disease.

Breakthrough Genomics
Classification: Benign. Review status: criteria provided, single submitter. Criteria: ACMG Guidelines, 2015. Collection method: not provided. Allele origin: germline. Inheritance: Autosomal dominant inheritance. Affected: yes.